The following is an entry in ClinVar:

NM_017671.5(FERMT1):c.1558T>A (p.Ser520Thr)

Gene: FERMT1 (FERM domain containing kindlin 1; minus strand). Cytogenetic location: 20p12.3.
Variant type: single nucleotide variant.
Coding change: c.1558T>A on transcript NM_017671.5 (MANE Select); coding-DNA position 1558, T replaced by A.
Protein change: p.Ser520Thr; replaces serine 520 with threonine.
Molecular consequence: missense variant.
Genome position (GRCh38, 1-based): chr20:6,085,101, A>T on the plus strand (T>A on the coding strand, the complement: FERMT1 is on the minus strand). VCF-style: chr20-6085101-A-T. GRCh37 (hg19) VCF-style: chr20-6065748-A-T.
Other names: short protein forms S520T.
Identifiers: ClinVar variation 2107083 (VCV002107083.4), dbSNP rs2514689563, ClinGen allele CA408178413.

ClinVar aggregate classification (germline): Uncertain significance (1 of 4 stars; one submission).

Submission:

Labcorp Genetics (formerly Invitae), Labcorp
Classification: Uncertain significance. Last evaluated: 2023-08-10. Review status: criteria provided, single submitter. Criteria: Invitae Variant Classification Sherloc (09022015). Collection method: clinical testing. Allele origin: germline.
Comment: This variant has not been reported in the literature in individuals affected with FERMT1-related conditions. In summary, the available evidence is currently insufficient to determine the role of this variant in disease. Therefore, it has been classified as a Variant of Uncertain Significance. ClinVar contains an entry for this variant (Variation ID: 2107083). Advanced modeling of protein sequence and biophysical properties (such as structural, functional, and spatial information, amino acid conservation, physicochemical variation, residue mobility, and thermodynamic stability) performed at Invitae indicates that this missense variant is not expected to disrupt FERMT1 protein function. This variant is not present in population databases (gnomAD no frequency). This sequence change replaces serine, which is neutral and polar, with threonine, which is neutral and polar, at codon 520 of the FERMT1 protein (p.Ser520Thr).